The following is an entry in ClinVar:

NM_000020.3(ACVRL1):c.1247-15A>G

Gene: ACVRL1 (activin A receptor like type 1; plus strand). Cytogenetic location: 12q13.13.
Variant type: single nucleotide variant.
Coding change: c.1247-15A>G on transcript NM_000020.3 (MANE Select); 15 bases into the intron before coding-DNA position 1247, A replaced by G.
Molecular consequence: intron variant.
Genome position (GRCh38, 1-based): chr12:51,918,970, A>G. VCF-style: chr12-51918970-A-G. GRCh37 (hg19) VCF-style: chr12-52312754-A-G.
Other names: c.1247-15A>G (NM_001077401.2).
Identifiers: ClinVar variation 379523 (VCV000379523.13), dbSNP rs186868158, ClinGen allele CA6573111.

ClinVar aggregate classification (germline): Benign/Likely benign. Review status: criteria provided, multiple submitters, no conflicts (2 of 4 stars). 5 submissions from 5 submitters: Benign (3); Likely benign (2). Last evaluated 2026-01-25.

Conditions:
Telangiectasia, hereditary hemorrhagic, type 2 (HHT2). Also called: ACVRL1-Related Hereditary Hemorrhagic Telangiectasia; Telangiectasia, hereditary hemorrhagic, type II. Identifiers: Orphanet 774, MedGen C1838163, MONDO:0010880, OMIM 600376. Disease mechanism: loss of function.

Allele frequency attached by ClinVar (database versions not stated): gnomAD exomes 0.00031 and 0.00056; ExAC 0.00038; ESP Exome Variant Server 0.00038; gnomAD 0.00056 and 0.00059; TOPMed 0.00073; 1000 Genomes Project 0.00160; 1000 Genomes Project 30x 0.00219.
gnomAD v4.1: 548 of 1,614,176 alleles (0.034%); highest among the groups gnomAD compares: Admixed American, 0.32%; 3 homozygotes.

Submissions (5):

Labcorp Genetics (formerly Invitae), Labcorp
Classification: Benign for Telangiectasia, hereditary hemorrhagic, type 2. Last evaluated: 2026-01-25. Review status: criteria provided, single submitter. Criteria: Invitae Variant Classification Sherloc (09022015). Collection method: clinical testing. Allele origin: germline.

ARUP Laboratories, Molecular Genetics and Genomics, ARUP Laboratories
Classification: Benign for Telangiectasia, hereditary hemorrhagic, type 2. Last evaluated: 2025-06-19. Review status: criteria provided, single submitter. Criteria: ARUP Molecular Germline Variant Investigation Process 2024. Collection method: clinical testing. Allele origin: germline.

Blueprint Genetics
Classification: Likely benign. Last evaluated: 2024-10-31. Review status: criteria provided, single submitter. Criteria: ACMG Guidelines, 2015. Collection method: clinical testing. Allele origin: germline.

Genome-Nilou Lab
Classification: Benign for Telangiectasia, hereditary hemorrhagic, type 2. Last evaluated: 2021-12-05. Review status: criteria provided, single submitter. Criteria: ACMG Guidelines, 2015. Collection method: clinical testing. Allele origin: germline. Affected: no.

GeneDx
Classification: Likely benign. Last evaluated: 2015-12-15. Review status: criteria provided, single submitter. Criteria: GeneDx Variant Classification (06012015). Collection method: clinical testing. Allele origin: germline. Affected: yes.
Comment: This variant is considered likely benign or benign based on one or more of the following criteria: it is a conservative change, it occurs at a poorly conserved position in the protein, it is predicted to be benign by multiple in silico algorithms, and/or has population frequency not consistent with disease.